The following is an entry in ClinVar:

NM_001378778.1(MPDZ):c.490G>A (p.Gly164Arg)

Gene: MPDZ (multiple PDZ domain crumbs cell polarity complex component; minus strand). Cytogenetic location: 9p23.
Variant type: single nucleotide variant.
Coding change: c.490G>A on transcript NM_001378778.1 (MANE Select); coding-DNA position 490, G replaced by A.
Protein change: p.Gly164Arg; replaces glycine 164 with arginine.
Molecular consequence: missense variant.
Genome position (GRCh38, 1-based): chr9:13,223,614, C>T on the plus strand (G>A on the coding strand, the complement: MPDZ is on the minus strand). VCF-style: chr9-13223614-C-T. GRCh37 (hg19) VCF-style: chr9-13223613-C-T.
Other names: c.490G>A, p.Gly164Arg (NM_001261406.2, NM_001261407.2, NM_001330637.2 and 14 more transcripts); short protein forms G164R.
Identifiers: ClinVar variation 1405200 (VCV001405200.8), dbSNP rs756516524, ClinGen allele CA4988108.

ClinVar aggregate classification (germline): Uncertain significance (1 of 4 stars; one submission).

Allele frequency attached by ClinVar (database versions not stated): gnomAD exomes below 0.00001; TOPMed below 0.00001; ExAC 0.00001; gnomAD 0.00001.
gnomAD v4.1: 2 of 1,612,340 alleles (0.00012%); highest among the groups gnomAD compares: African/African-American, 0.0013%; no homozygotes.

Submission:

Labcorp Genetics (formerly Invitae), Labcorp
Classification: Uncertain significance. Last evaluated: 2022-02-05. Review status: criteria provided, single submitter. Criteria: Invitae Variant Classification Sherloc (09022015). Collection method: clinical testing. Allele origin: germline.
Comment: This sequence change replaces glycine, which is neutral and non-polar, with arginine, which is basic and polar, at codon 164 of the MPDZ protein (p.Gly164Arg). This variant is present in population databases (rs756516524, gnomAD 0.0009%). This variant has not been reported in the literature in individuals affected with MPDZ-related conditions. Algorithms developed to predict the effect of missense changes on protein structure and function (SIFT, PolyPhen-2, Align-GVGD) all suggest that this variant is likely to be disruptive. In summary, the available evidence is currently insufficient to determine the role of this variant in disease. Therefore, it has been classified as a Variant of Uncertain Significance.